The following is an entry in ClinVar:

ClinVar aggregate classification (germline): Likely pathogenic (1 of 4 stars; one submission).

Submission:

Labcorp Genetics (formerly Invitae), Labcorp
Classification: Likely pathogenic. Last evaluated: 2022-02-04. Review status: criteria provided, single submitter. Criteria: Invitae Variant Classification Sherloc (09022015). Collection method: clinical testing. Allele origin: germline.
Comment: This sequence change affects an acceptor splice site in intron 8 of the HPS1 gene. It is expected to disrupt RNA splicing. Variants that disrupt the donor or acceptor splice site typically lead to a loss of protein function (PMID: 16199547), and loss-of-function variants in HPS1 are known to be pathogenic (PMID: 12442288, 16185271). This variant is not present in population databases (gnomAD no frequency). This variant has not been reported in the literature in individuals affected with HPS1-related conditions. ClinVar contains an entry for this variant (Variation ID: 641839). Algorithms developed to predict the effect of sequence changes on RNA splicing suggest that this variant may disrupt the consensus splice site. In summary, the currently available evidence indicates that the variant is pathogenic, but additional data are needed to prove that conclusively. Therefore, this variant has been classified as Likely Pathogenic.

Literature cited by the submitters: PubMed 16199547; PubMed 12442288; PubMed 16185271.

NM_000195.5(HPS1):c.769-2A>G

Gene: HPS1 (HPS1 biogenesis of lysosomal organelles complex 3 subunit 1; minus strand). Cytogenetic location: 10q24.2.
Variant type: single nucleotide variant.
Coding change: c.769-2A>G on transcript NM_000195.5 (MANE Select); the canonical splice acceptor site of the intron before coding-DNA position 769, A replaced by G.
Molecular consequence: splice acceptor variant. On other transcripts: intron variant (8).
Genome position (GRCh38, 1-based): chr10:98,429,891, T>C on the plus strand (A>G on the coding strand, the complement: HPS1 is on the minus strand). VCF-style: chr10-98429891-T-C. GRCh37 (hg19) VCF-style: chr10-100189648-T-C.
Other names: c.400-2A>G (NM_001322483.2, NM_001322484.2); c.508-2A>G (NM_001322480.2, NM_001322481.2); c.769-249A>G (NM_001322478.2, NM_001322479.2, NM_001322491.2); c.769-2A>G (NM_001322476.2, NM_001322477.2, NM_182639.4); c.400-249A>G (NM_001322485.2); c.508-249A>G (NM_001322482.2); c.-105-249A>G (NM_001322489.2, NM_001311345.2); c.-204-2A>G (NM_001322487.2); and 2 more.
Identifiers: ClinVar variation 641839 (VCV000641839.7), dbSNP rs1591082099, ClinGen allele CA378051785.